The following is an entry in ClinVar:

ClinVar aggregate classification (germline): Pathogenic (1 of 4 stars; one submission).

Conditions:
GNE myopathy (NM). Also called: NONAKA DISTAL MYOPATHY; IBM 2; Inclusion body myopathy autosomal recessive; Inclusion body myopathy quadriceps sparing; INCLUSION BODY MYOPATHY, HEREDITARY, AUTOSOMAL RECESSIVE; INCLUSION BODY MYOPATHY 2, AUTOSOMAL RECESSIVE. Identifiers: Orphanet 602, MedGen C1853926, MONDO:0011603, OMIM 605820.

Submission:

Molecular Genetics, Royal Melbourne Hospital
Classification: Pathogenic for GNE myopathy. Last evaluated: 2024-09-08. Review status: criteria provided, single submitter. Criteria: ACMG Guidelines, 2015. Collection method: clinical testing. Allele origin: germline. Inheritance: Autosomal recessive inheritance.
Comment: This sequence change in GNE is a frameshift variant predicted to create a premature stop codon, p.(Val454Glyfs*47), in biologically relevant exon 9/12 leading to nonsense-mediated decay in a gene in which loss-of-function is an established disease mechanism (PMID: 11528398, 17704511, 20301439). Loss-of-function variants are a well-established cause of disease in exon 9 (ClinVar). This variant is absent from the population database gnomAD v4.1. To our knowledge, this variant is novel and has not been previously reported in the relevant scientific literature or databases. Based on the classification scheme RMH Modified ACMG/AMP Guidelines v1.7.0, this variant is classified as PATHOGENIC. Following criteria are met: PVS1, PM2_Supporting, PM5_Supporting.

Literature cited by the submitters: PubMed 11528398; PubMed 17704511; PubMed 20301439.

NM_005476.7(GNE):c.1361_1362del (p.Val454fs)

Gene: GNE (glucosamine (UDP-N-acetyl)-2-epimerase/N-acetylmannosamine kinase; minus strand). Cytogenetic location: 9p13.3.
Variant type: Microsatellite.
Coding change: c.1361_1362del on transcript NM_005476.7 (MANE Select); coding-DNA positions 1361 to 1362, 2 bases deleted (TG; older notation c.1361_1362delTG).
Protein change: p.Val454fs; shifts the reading frame from valine 454.
Molecular consequence: frameshift variant.
Genome position (GRCh38, 1-based): chr9:36,223,422-36,223,423, CA deleted on the plus strand (TG on the coding strand, the reverse complement: GNE is on the minus strand); deleting any 2 consecutive bases within chr9:36,223,422-36,223,429 gives the same sequence; the c. name uses the placement nearest the transcript's 3' end. VCF-style (leftmost placement, unchanged base first): chr9-36223421-CCA-C. GRCh37 (hg19) VCF-style: chr9-36223418-CCA-C.
Other names: c.1361_1362delTG (NM_005476.7); c.1454_1455del, p.Val485fs (NM_001128227.3); c.1361_1362del, p.Val454fs (NM_001190383.3); c.1031_1032del, p.Val344fs (NM_001190384.3); c.1184_1185del, p.Val395fs (NM_001190388.2, NM_001374798.1); c.1208_1209del, p.Val403fs (NM_001374797.1); short protein forms V344fs, V395fs, V403fs, V454fs, V485fs.
Identifiers: ClinVar variation 3773791 (VCV003773791.1).